The following is an entry in ClinVar:

NC_000023.10:g.(?_77264579)_(77268629_?)del

Gene: ATP7A (ATPase copper transporting alpha; plus strand). Cytogenetic location: Xq21.1.
Variant type: Deletion.
Identifiers: ClinVar variation 3244750 (VCV003244750.1).

ClinVar aggregate classification (germline): Pathogenic (1 of 4 stars; one submission).

Conditions:
Menkes kinky-hair syndrome (MNK). Also called: Classic Menkes Disease; Copper transport disease; Menkes Disease. Identifiers: Orphanet 565, MedGen C0022716, MONDO:0010651, OMIM 309400.
X-linked distal spinal muscular atrophy type 3. Also called: ATP7A-Related Distal Motor Neuropathy; SPINAL MUSCULAR ATROPHY, DISTAL, X-LINKED RECESSIVE; NEURONOPATHY, DISTAL HEREDITARY MOTOR, X-LINKED; NEUROPATHY, DISTAL HEREDITARY MOTOR, X-LINKED. Identifiers: Orphanet 139557, MedGen C1845359, MONDO:0010338, OMIM 300489.
Cutis laxa, X-linked (OHS). Also called: EDS IX; Occipital horn syndrome. Identifiers: Orphanet 198, MedGen C0268353, MONDO:0010572, OMIM 304150.

Submission:

Labcorp Genetics (formerly Invitae), Labcorp
Classification: Pathogenic for X-linked distal spinal muscular atrophy type 3; Cutis laxa, X-linked; Menkes kinky-hair syndrome. Last evaluated: 2023-03-18. Review status: criteria provided, single submitter. Criteria: Invitae Variant Classification Sherloc (09022015). Collection method: clinical testing. Allele origin: unknown.
Comment: This variant is a gross deletion of the genomic region encompassing exon(s) 7-10 of the ATP7A gene. This variant would be expected to be in-frame, preserving the integrity of the reading frame. This variant has not been reported in the literature in individuals affected with ATP7A-related conditions. For these reasons, this variant has been classified as Pathogenic. This variant disrupts a region of the ATP7A protein in which other variant(s) (p.Gly727Arg) have been determined to be pathogenic (PMID: 18752978, 28389643, 28397151; Invitae). This suggests that this is a clinically significant region of the protein, and that variants that disrupt it are likely to be disease-causing.

Literature cited by the submitters: PubMed 18752978; PubMed 28389643; PubMed 28397151.